The following is an entry in ClinVar:

NM_000466.3(PEX1):c.1878_1879del (p.Arg626fs)

Gene: PEX1 (peroxisomal biogenesis factor 1; minus strand). Cytogenetic location: 7q21.2.
Variant type: Microsatellite.
Coding change: c.1878_1879del on transcript NM_000466.3 (MANE Select); coding-DNA positions 1878 to 1879, 2 bases deleted (AG; older notation c.1878_1879delAG).
Protein change: p.Arg626fs; shifts the reading frame from arginine 626.
Molecular consequence: frameshift variant.
Genome position (GRCh38, 1-based): chr7:92,506,269-92,506,270, CT deleted on the plus strand (AG on the coding strand, the reverse complement: PEX1 is on the minus strand); deleting any 2 consecutive bases within chr7:92,506,269-92,506,275 gives the same sequence; the c. name uses the placement nearest the transcript's 3' end. VCF-style (leftmost placement, unchanged base first): chr7-92506268-ACT-A. GRCh37 (hg19) VCF-style: chr7-92135582-ACT-A.
Other names: c.1878_1879del, p.Arg626fs (NM_001282677.2); c.1254_1255del, p.Arg418fs (NM_001282678.2); short protein forms R418fs, R626fs.
Identifiers: ClinVar variation 5014653 (VCV005014653.1).

ClinVar aggregate classification (germline): Pathogenic (1 of 4 stars; one submission).

Conditions:
Peroxisome biogenesis disorder. Identifiers: Orphanet 79189, MedGen C1832200, MONDO:0019234. Disease mechanism: loss of function.

Submission:

Myriad Genetics, Inc.
Classification: Pathogenic for Peroxisome biogenesis disorder. Last evaluated: 2025-06-28. Review status: criteria provided, single submitter. Criteria: Myriad Autosomal Dominant, Autosomal Recessive and X-Linked Classification Criteria (2023). Collection method: clinical testing. Allele origin: unknown.
Comment: NM_000466.2(PEX1):c.1878_1879delAG(R626Sfs*2) is expected to be pathogenic in the context of peroxisome biogenesis disorder type 1. This variant is predicted to lead to an abnormal or absent protein product due to the creation of a premature termination codon in PEX1, a gene where loss-of-function variants are known to be pathogenic. Please note: this variant was assessed in the context of healthy population screening.